The following is an entry in ClinVar:

ClinVar aggregate classification (germline): Uncertain significance (1 of 4 stars; one submission).

Submission:

CeGaT Center for Human Genetics Tuebingen
Classification: Uncertain significance. Last evaluated: 2024-12-01. Review status: criteria provided, single submitter. Criteria: CeGaT Center For Human Genetics Tuebingen Variant Classification Criteria Version 2. Collection method: clinical testing. Allele origin: germline. Affected: yes. Observed: 1 variant allele.
Comment: LONP1: PM2, PVS1:Moderate

NM_004793.4(LONP1):c.1558del (p.Cys520fs)

Gene: LONP1 (lon peptidase 1, mitochondrial; minus strand). Cytogenetic location: 19p13.3.
Variant type: Deletion.
Coding change: c.1558del on transcript NM_004793.4 (MANE Select); coding-DNA position 1558, one base deleted (T; older notation c.1558delT).
Protein change: p.Cys520fs; shifts the reading frame from cysteine 520.
Molecular consequence: frameshift variant. On other transcripts: non-coding transcript variant (1).
Genome position (GRCh38, 1-based): chr19:5,699,154, A deleted on the plus strand (T on the coding strand, the reverse complement: LONP1 is on the minus strand). VCF-style (leftmost placement, unchanged base first): chr19-5699153-CA-C. GRCh37 (hg19) VCF-style: chr19-5699164-CA-C.
Other names: c.1366del, p.Cys456fs (NM_001276479.2); c.970del, p.Cys324fs (NM_001276480.1); short protein forms C324fs, C456fs, C520fs.
Identifiers: ClinVar variation 3771934 (VCV003771934.13).